The following is an entry in ClinVar:

NM_001854.4(COL11A1):c.3925-16C>T

Gene: COL11A1 (collagen type XI alpha 1 chain; minus strand). Cytogenetic location: 1p21.1.
Variant type: single nucleotide variant.
Coding change: c.3925-16C>T on transcript NM_001854.4 (MANE Select); 16 bases into the intron before coding-DNA position 3925, C replaced by T.
Molecular consequence: intron variant.
Genome position (GRCh38, 1-based): chr1:102,914,421, G>A on the plus strand (C>T on the coding strand, the complement: COL11A1 is on the minus strand). VCF-style: chr1-102914421-G-A. GRCh37 (hg19) VCF-style: chr1-103379977-G-A.
Other names: c.3808-16C>T (NM_001190709.2); c.3961-16C>T (NM_080629.3); c.3577-16C>T (NM_080630.4).
Identifiers: ClinVar variation 379418 (VCV000379418.15), dbSNP rs201491791, ClinGen allele CA973763.
Genomic context (GRCh38, chr1:102,914,421, plus strand): 5'-AGGTTCCCCAGGAGGACCAGGATCTCCAGGAAAACCAACAGGACCCTAGAATGACGTTTT[G>A]AAAGAAAAAGAAATAAATGAAAAATAAATTTTTATAAAATTATGACATTCTGGAGGTGAA-3'

ClinVar aggregate classification (germline): Benign/Likely benign. Review status: criteria provided, multiple submitters, no conflicts (2 of 4 stars). 8 submissions from 8 submitters: Benign (3); Likely benign (5). Last evaluated 2026-05-21.

Conditions:
Connective tissue disorder. Also called: Connective tissue disease. Identifiers: MedGen C0009782, MONDO:0003900.

Allele frequency attached by ClinVar (database versions not stated): TOPMed 0.00087; 1000 Genomes Project 30x 0.00094; gnomAD 0.00099 and 0.00104; ESP Exome Variant Server 0.00100; 1000 Genomes Project 0.00120; gnomAD exomes 0.00128 and 0.00138; ExAC 0.00144.
gnomAD v4.1: 2,197 of 1,591,884 alleles (0.14%); highest among the groups gnomAD compares: Middle Eastern, 0.7%; 7 homozygotes.

Submissions (8):

Women's Health and Genetics/Laboratory Corporation of America, LabCorp
Classification: Benign. Last evaluated: 2026-05-21. Review status: criteria provided, single submitter. Criteria: LabCorp Variant Classification Summary - May 2015. Collection method: clinical testing. Allele origin: germline.
Comment: Variant summary: COL11A1 c.3925-16C>T alters a nucleotide located at a position not widely known to affect splicing. Consensus agreement among computation tools predict no significant impact on normal splicing. However, these predictions have yet to be confirmed by functional studies. The variant allele was found at a frequency of 0.0013 in 241234 control chromosomes in the gnomAD database, including 1 homozygotes. The observed variant frequency exceeds the estimated maximal expected allele frequency for disease-causing variants in COL11A1. To our knowledge, no occurrence of c.3925-16C>T in individuals affected with COL11A1-related conditions and no experimental evidence demonstrating its impact on protein function have been reported. ClinVar contains an entry for this variant (Variation ID: 379418). Based on the evidence outlined above, the variant was classified as benign.

Labcorp Genetics (formerly Invitae), Labcorp
Classification: Benign. Last evaluated: 2026-02-04. Review status: criteria provided, single submitter. Criteria: Invitae Variant Classification Sherloc (09022015). Collection method: clinical testing. Allele origin: germline.

Genomic Medicine Center of Excellence, King Faisal Specialist Hospital and Research Centre
Classification: Likely benign. Last evaluated: 2025-08-18. Review status: criteria provided, single submitter. Criteria: ACMG Guidelines, 2015. Collection method: clinical testing. Allele origin: germline.

Blueprint Genetics
Classification: Likely benign. Last evaluated: 2024-10-29. Review status: criteria provided, single submitter. Criteria: ACMG Guidelines, 2015. Collection method: clinical testing. Allele origin: germline.

ARUP Laboratories, Molecular Genetics and Genomics, ARUP Laboratories
Classification: Benign. Last evaluated: 2023-10-20. Review status: criteria provided, single submitter. Criteria: ARUP Molecular Germline Variant Investigation Process 2024. Collection method: clinical testing. Allele origin: germline.

GeneDx
Classification: Likely benign. Last evaluated: 2017-11-28. Review status: criteria provided, single submitter. Criteria: GeneDx Variant Classification (06012015). Collection method: clinical testing. Allele origin: germline. Affected: yes.
Comment: This variant is considered likely benign or benign based on one or more of the following criteria: it is a conservative change, it occurs at a poorly conserved position in the protein, it is predicted to be benign by multiple in silico algorithms, and/or has population frequency not consistent with disease.

Center for Human Genetics, Inc
Classification: Likely benign for Connective tissue disorder. Last evaluated: 2016-11-01. Review status: criteria provided, single submitter. Criteria: ACMG Guidelines, 2015. Collection method: clinical testing. Allele origin: germline. Affected: yes.

Breakthrough Genomics
Classification: Likely benign. Review status: criteria provided, single submitter. Criteria: ACMG Guidelines, 2015. Collection method: not provided. Allele origin: germline. Inheritance: Autosomal recessive inheritance. Affected: yes.